The following is an entry in ClinVar:

ClinVar aggregate classification (germline): Uncertain significance (1 of 4 stars; one submission).

gnomAD v4.1: 3 of 1,591,268 alleles (0.00019%); highest among the groups gnomAD compares: Non-Finnish European, 0.00026%; no homozygotes.

Submission:

Labcorp Genetics (formerly Invitae), Labcorp
Classification: Uncertain significance. Last evaluated: 2025-02-20. Review status: criteria provided, single submitter. Criteria: Invitae Variant Classification Sherloc (09022015). Collection method: clinical testing. Allele origin: germline.
Comment: This sequence change affects codon 738 of the BUB1 mRNA. It is a 'silent' change, meaning that it does not change the encoded amino acid sequence of the BUB1 protein. This variant is present in population databases (no rsID available, gnomAD 0.007%). This variant has not been reported in the literature in individuals affected with BUB1-related conditions. Experimental studies and prediction algorithms are not available or were not evaluated, and the effect of this variant on mRNA splicing is currently unknown. In summary, the available evidence is currently insufficient to determine the role of this variant in disease. Therefore, it has been classified as a Variant of Uncertain Significance.

NM_004336.5(BUB1):c.2214T>C (p.Val738=)

Gene: BUB1 (BUB1 mitotic checkpoint serine/threonine kinase; minus strand). Cytogenetic location: 2q13.
Variant type: single nucleotide variant.
Coding change: c.2214T>C on transcript NM_004336.5 (MANE Select); coding-DNA position 2214, T replaced by C.
Protein change: p.Val738=; no amino-acid change (valine 738 retained).
Molecular consequence: synonymous variant.
Genome position (GRCh38, 1-based): chr2:110,649,367, A>G on the plus strand (T>C on the coding strand, the complement: BUB1 is on the minus strand). VCF-style: chr2-110649367-A-G. GRCh37 (hg19) VCF-style: chr2-111406944-A-G.
Other names: c.2154T>C, p.Val718= (NM_001278616.2); c.2214T>C, p.Val738= (NM_001278617.2).
Identifiers: ClinVar variation 4706150 (VCV004706150.1).